The following is an entry in ClinVar:

ClinVar aggregate classification (germline): Uncertain significance (1 of 4 stars; one submission).

Conditions:
Spastic paraplegia. Identifiers: MedGen C0037772, HP:0001258.

Allele frequency attached by ClinVar (database versions not stated): TOPMed below 0.00001.

Submission:

Labcorp Genetics (formerly Invitae), Labcorp
Classification: Uncertain significance for Spastic paraplegia. Last evaluated: 2025-08-29. Review status: criteria provided, single submitter. Criteria: Invitae Variant Classification Sherloc (09022015). Collection method: clinical testing. Allele origin: germline.
Comment: This sequence change replaces glutamine, which is neutral and polar, with arginine, which is basic and polar, at codon 521 of the KIF5A protein (p.Gln521Arg). This variant is not present in population databases (gnomAD no frequency). This variant has not been reported in the literature in individuals affected with KIF5A-related conditions. ClinVar contains an entry for this variant (Variation ID: 1986027). Invitae Evidence Modeling of protein sequence and biophysical properties (such as structural, functional, and spatial information, amino acid conservation, physicochemical variation, residue mobility, and thermodynamic stability) indicates that this missense variant is not expected to disrupt KIF5A protein function with a negative predictive value of 95%. In summary, the available evidence is currently insufficient to determine the role of this variant in disease. Therefore, it has been classified as a Variant of Uncertain Significance.

NM_004984.4(KIF5A):c.1562A>G (p.Gln521Arg)

Gene: KIF5A (kinesin family member 5A; plus strand). Cytogenetic location: 12q13.3.
Variant type: single nucleotide variant.
Coding change: c.1562A>G on transcript NM_004984.4 (MANE Select); coding-DNA position 1562, A replaced by G.
Protein change: p.Gln521Arg; replaces glutamine 521 with arginine.
Molecular consequence: missense variant.
Genome position (GRCh38, 1-based): chr12:57,572,260, A>G. VCF-style: chr12-57572260-A-G. GRCh37 (hg19) VCF-style: chr12-57966043-A-G.
Other names: c.1295A>G, p.Gln432Arg (NM_001354705.2); short protein forms Q432R, Q521R.
Identifiers: ClinVar variation 1986027 (VCV001986027.4), dbSNP rs1034361893, ClinGen allele CA237785030.
Genomic context (GRCh38, chr12:57,572,260, plus strand): 5'-AGTCCCAGGAGGTGGAGGAGAAGAGCCAGCAGAACCAGCTTCTGGTGGATGAGCTGTCTC[A>G]GAAGGTGGTAAGTGGTGTGCCAATGGTCCAACAGCTCCCTGACCACAGAACATCTCCCAT-3'
Protein context (NP_004975.2, residues 511-531): QNQLLVDELS[Gln521Arg]KVATMLSLES